The following is an entry in ClinVar:

ClinVar aggregate classification (germline): Conflicting classifications of pathogenicity. Review status: criteria provided, conflicting classifications (1 of 4 stars). 10 submissions from 10 submitters: Uncertain significance (6); Likely benign (3). 1 of the submissions does not count toward it. Last evaluated 2025-11-17.

Conditions:
Classic or attenuated familial adenomatous polyposis. Identifiers: MedGen CN372698, MONDO:0021057.
APC-related disorder. Also called: APC-related condition.
Hereditary cancer-predisposing syndrome. Also called: Neoplastic Syndromes, Hereditary; Hereditary Cancer Syndrome; Tumor predisposition; Hereditary neoplastic syndrome. Identifiers: Orphanet 140162, MedGen C0027672, MeSH D009386, MONDO:0015356.
Familial adenomatous polyposis 1 (FAP1). Also called: POLYPOSIS, ADENOMATOUS INTESTINAL; FAMILIAL ADENOMATOUS POLYPOSIS 1, ATTENUATED. Identifiers: MedGen C2713442, MONDO:0021056, OMIM 175100. Disease mechanism: loss of function.

Allele frequency attached by ClinVar (database versions not stated): ExAC 0.00001; TOPMed 0.00001; gnomAD 0.00002; gnomAD exomes 0.00002.
gnomAD v4.1: 29 of 1,613,848 alleles (0.0018%); highest among the groups gnomAD compares: East Asian, 0.0067%; no homozygotes.

Submissions (10):

Labcorp Genetics (formerly Invitae), Labcorp
Classification: Likely benign for Familial adenomatous polyposis 1. Last evaluated: 2025-11-17. Review status: criteria provided, single submitter. Criteria: Invitae Variant Classification Sherloc (09022015). Collection method: clinical testing. Allele origin: germline.

PreventionGenetics, part of Exact Sciences
Classification: Uncertain significance for APC-related condition. Last evaluated: 2025-06-22. Review status: criteria provided, single submitter. Criteria: ACMG Guidelines, 2015. Collection method: clinical testing. Allele origin: germline.
Comment: The APC c.5752A>G variant is predicted to result in the amino acid substitution p.Ile1918Val. This variant was reported in an individual with colorectal cancer (Table A4, Yurgelun et al 2017. PubMed ID: 28135145). This variant is reported in 0.010% of alleles in individuals of East Asian descent in gnomAD, which may be too common to be a primary cause of disease, and has conflicting interpretations of pathogenicity in ClinVar ranging from uncertain to likely benign. Although we suspect this variant may be benign, at this time, the clinical significance of this variant is uncertain due to the absence of conclusive functional and genetic evidence.

Quest Diagnostics Nichols Institute San Juan Capistrano
Classification: Uncertain significance. Last evaluated: 2024-07-17. Review status: criteria provided, single submitter. Criteria: Quest Diagnostics criteria. Collection method: clinical testing. Allele origin: unknown.
Comment: The APC c.5752A>G (p.Ile1918Val) variant has been reported in the published literature in an individual with colorectal cancer (PMID: 28135145 (2017)). The frequency of this variant in the general population, 0.000055 (7/128144 chromosomes (Genome Aggregation Database)), is uninformative in the assessment of its pathogenicity. Analysis of this variant using bioinformatics tools for the prediction of the effect of amino acid changes on protein structure and function yielded predictions that this variant is benign. Based on the available information, we are unable to determine the clinical significance of this variant.

All of Us Research Program, National Institutes of Health
Classification: Uncertain significance for Classic or attenuated familial adenomatous polyposis. Last evaluated: 2024-07-10. Review status: criteria provided, single submitter. Criteria: ACMG Guidelines, 2015. Collection method: clinical testing. Allele origin: germline. Inheritance: Autosomal dominant inheritance. Observed: 6 variant alleles, 6 heterozygotes.
Comment: This missense variant replaces isoleucine with valine at codon 1918 of the APC protein. Computational prediction suggests that this variant may not impact protein structure and function (internally defined REVEL score threshold <= 0.5, PMID: 27666373). To our knowledge, functional studies have not been reported for this variant. This variant has been reported in an individual affected with colorectal cancer (PMID: 28135145). This variant has been identified in 9/281578 chromosomes in the general population by the Genome Aggregation Database (gnomAD). The available evidence is insufficient to determine the role of this variant in disease conclusively. Therefore, this variant is classified as a Variant of Uncertain Significance.

This study involves interpretation of variants in research participants for the purpose of population health screening. Participant phenotype was not available at the time of variant classification. Additional details can be found in publication PMID: 35346344, PMCID: PMC8962531

Color Diagnostics, LLC DBA Color Health
Classification: Uncertain significance for Hereditary cancer-predisposing syndrome. Last evaluated: 2024-02-20. Review status: criteria provided, single submitter. Criteria: ACMG Guidelines, 2015. Collection method: clinical testing. Allele origin: germline.
Comment: This missense variant replaces isoleucine with valine at codon 1918 of the APC protein. Computational prediction suggests that this variant may not impact protein structure and function (internally defined REVEL score threshold <= 0.5, PMID: 27666373). To our knowledge, functional studies have not been reported for this variant. This variant has been reported in an individual affected with colorectal cancer (PMID: 28135145). This variant has been identified in 9/281578 chromosomes in the general population by the Genome Aggregation Database (gnomAD). The available evidence is insufficient to determine the role of this variant in disease conclusively. Therefore, this variant is classified as a Variant of Uncertain Significance.

CeGaT Center for Human Genetics Tuebingen
Classification: Likely benign. Last evaluated: 2024-02-01. Review status: criteria provided, single submitter. Criteria: CeGaT Center For Human Genetics Tuebingen Variant Classification Criteria Version 2. Collection method: clinical testing. Allele origin: germline. Affected: yes. Observed: 1 variant allele.
Comment: APC: BP1, BP4

GeneDx
Classification: Uncertain significance. Last evaluated: 2023-05-30. Review status: criteria provided, single submitter. Criteria: GeneDx Variant Classification Process June 2021. Collection method: clinical testing. Allele origin: germline. Affected: yes.
Comment: In silico analysis supports that this missense variant does not alter protein structure/function; Observed in at least one individual with a personal history of colon cancer who underwent multi-gene panel testing (Yurgelun et al., 2017); This variant is associated with the following publications: (PMID: 18199528, 28135145)

Myriad Genetics, Inc.
Classification: Uncertain significance for Familial adenomatous polyposis 1. Last evaluated: 2023-02-15. Review status: criteria provided, single submitter. Criteria: Myriad Autosomal Dominant, Autosomal Recessive and X-Linked Classification Criteria (2023). Collection method: clinical testing. Allele origin: unknown.
Comment: This variant is classified as a variant of uncertain significance as there is insufficient evidence to determine its impact on protein function and/or cancer risk.

Ambry Genetics
Classification: Likely benign for Hereditary cancer-predisposing syndrome. Last evaluated: 2018-12-03. Review status: criteria provided, single submitter. Criteria: Ambry Variant Classification Scheme 2023. Collection method: clinical testing. Allele origin: germline.

Counsyl
Classification: Uncertain significance for Familial adenomatous polyposis 1. Last evaluated: 2016-09-16. Review status: no assertion criteria provided. Collection method: clinical testing. Allele origin: unknown. Not counted in ClinVar's aggregate classification.

Literature cited by the submitters: PubMed 28135145 (cited by 3 submitters).

NM_000038.6(APC):c.5752A>G (p.Ile1918Val)

Gene: APC (APC regulator of Wnt signaling pathway; plus strand). Cytogenetic location: 5q22.2.
Variant type: single nucleotide variant.
Coding change: c.5752A>G on transcript NM_000038.6 (MANE Select); coding-DNA position 5752, A replaced by G.
Protein change: p.Ile1918Val; replaces isoleucine 1918 with valine.
Molecular consequence: missense variant.
Genome position (GRCh38, 1-based): chr5:112,841,346, A>G. VCF-style: chr5-112841346-A-G. GRCh37 (hg19) VCF-style: chr5-112177043-A-G.
Other names: c.5752A>G, p.Ile1918Val (NM_001127510.3, NM_001354895.2); c.5698A>G, p.Ile1900Val (NM_001127511.3); c.5806A>G, p.Ile1936Val (NM_001354896.2); c.5782A>G, p.Ile1928Val (NM_001354897.2); c.5677A>G, p.Ile1893Val (NM_001354898.2); c.5668A>G, p.Ile1890Val (NM_001354899.2); c.5629A>G, p.Ile1877Val (NM_001354900.2); c.5575A>G, p.Ile1859Val (NM_001354901.2); and 5 more; short protein forms I1900V, I1918V, I1877V, I1890V, I1936V, I1817V, I1893V, I1859V.
Identifiers: ClinVar variation 219739 (VCV000219739.53), dbSNP rs776966222, ClinGen allele CA042868.
Genomic context (GRCh38, chr5:112,841,346, plus strand): 5'-ACAGAACTAACCTCCAACCAACAATCAGCTAATAAGACACAAGCTATTGCAAAGCAGCCA[A>G]TAAATCGAGGTCAGCCTAAACCCATACTTCAGAAACAATCCACTTTTCCCCAGTCATCCA-3'
Protein context (NP_000029.2, residues 1908-1928): NKTQAIAKQP[Ile1918Val]NRGQPKPILQ